The following is an entry in ClinVar:

NM_000064.4(C3):c.4148C>T (p.Thr1383Ile)

Gene: C3 (complement C3; minus strand). Cytogenetic location: 19p13.3.
Variant type: single nucleotide variant.
Coding change: c.4148C>T on transcript NM_000064.4 (MANE Select); coding-DNA position 4148, C replaced by T.
Protein change: p.Thr1383Ile; replaces threonine 1383 with isoleucine.
Molecular consequence: missense variant.
Genome position (GRCh38, 1-based): chr19:6,684,412, G>A on the plus strand (C>T on the coding strand, the complement: C3 is on the minus strand). VCF-style: chr19-6684412-G-A. GRCh37 (hg19) VCF-style: chr19-6684423-G-A.
Other names: short protein forms T1383I.
Identifiers: ClinVar variation 2115375 (VCV002115375.4), dbSNP rs139100972, ClinGen allele CA403616639.
Genomic context (GRCh38, chr19:6,684,412, plus strand): 5'-ATGGCCAAGATGAACCCCGGTGACCTAGCTTCTTACCTGGTACAGATCTCAAGGATCATA[G>A]TGTTCTTGGCATCCTGAGGCCTCTTTTCTAGAAACACAGAAGAGAGAAAGATGGGAGAGG-3'
Protein context (NP_000055.2, residues 1373-1393): TEKRPQDAKN[Thr1383Ile]MILEICTRYR

ClinVar aggregate classification (germline): Uncertain significance (1 of 4 stars; one submission).

Submission:

Labcorp Genetics (formerly Invitae), Labcorp
Classification: Uncertain significance. Last evaluated: 2023-05-22. Review status: criteria provided, single submitter. Criteria: Invitae Variant Classification Sherloc (09022015). Collection method: clinical testing. Allele origin: germline.
Comment: Advanced modeling of protein sequence and biophysical properties (such as structural, functional, and spatial information, amino acid conservation, physicochemical variation, residue mobility, and thermodynamic stability) performed at Invitae indicates that this missense variant is not expected to disrupt C3 protein function. In summary, the available evidence is currently insufficient to determine the role of this variant in disease. Therefore, it has been classified as a Variant of Uncertain Significance. ClinVar contains an entry for this variant (Variation ID: 2115375). This variant has not been reported in the literature in individuals affected with C3-related conditions. This variant is not present in population databases (gnomAD no frequency). This sequence change replaces threonine, which is neutral and polar, with isoleucine, which is neutral and non-polar, at codon 1383 of the C3 protein (p.Thr1383Ile).